The following is an entry in ClinVar:

ClinVar aggregate classification (germline): Uncertain significance (1 of 4 stars; one submission).

Conditions:
NDUFB11-related disorders. Also called: NDUFB11-related disorder; NDUFB11-related condition. Identifiers: MedGen CN378754, MONDO:1040023.

Submission:

PreventionGenetics, part of Exact Sciences
Classification: Uncertain significance for NDUFB11-related condition. Last evaluated: 2025-08-06. Review status: criteria provided, single submitter. Criteria: ACMG Guidelines, 2015. Collection method: clinical testing. Allele origin: germline.
Comment: The NDUFB11 c.68C>A variant is predicted to result in the amino acid substitution p.Pro23Gln. To our knowledge, this variant has not been reported in the literature or in a large population database (gnomAD), indicating this variant is rare. At this time, the clinical significance of this variant is uncertain due to the absence of conclusive functional and genetic evidence.

NM_001135998.3(NDUFB11):c.68C>A (p.Pro23Gln)

Gene: NDUFB11 (NADH:ubiquinone oxidoreductase subunit B11; minus strand). Cytogenetic location: Xp11.3.
Variant type: single nucleotide variant.
Coding change: c.68C>A on transcript NM_001135998.3 (MANE Select); coding-DNA position 68, C replaced by A.
Protein change: p.Pro23Gln; replaces proline 23 with glutamine.
Molecular consequence: missense variant.
Genome position (GRCh38, 1-based): chrX:47,144,612, G>T on the plus strand (C>A on the coding strand, the complement: NDUFB11 is on the minus strand). VCF-style: chrX-47144612-G-T. GRCh37 (hg19) VCF-style: chrX-47004011-G-T.
Other names: c.68C>A, p.Pro23Gln (NM_019056.7); short protein forms P23Q.
Identifiers: ClinVar variation 4989370 (VCV004989370.1).